The following is an entry in ClinVar:

NM_173495.3(PTCHD1):c.167T>G (p.Leu56Arg)

Gene: PTCHD1 (patched domain containing 1; plus strand). Cytogenetic location: Xp22.11.
Variant type: single nucleotide variant.
Coding change: c.167T>G on transcript NM_173495.3 (MANE Select); coding-DNA position 167, T replaced by G.
Protein change: p.Leu56Arg; replaces leucine 56 with arginine.
Molecular consequence: missense variant.
Genome position (GRCh38, 1-based): chrX:23,335,042, T>G. VCF-style: chrX-23335042-T-G. GRCh37 (hg19) VCF-style: chrX-23353159-T-G.
Other names: short protein forms L56R.
Identifiers: ClinVar variation 2446472 (VCV002446472.1), dbSNP rs2518737614, ClinGen allele CA412579086.

ClinVar aggregate classification (germline): Uncertain significance (1 of 4 stars; one submission).

Submission:

GeneDx
Classification: Uncertain significance. Last evaluated: 2022-09-29. Review status: criteria provided, single submitter. Criteria: GeneDx Variant Classification Process June 2021. Collection method: clinical testing. Allele origin: germline. Affected: yes.
Comment: Not observed at significant frequency in large population cohorts (gnomAD); In silico analysis supports that this missense variant has a deleterious effect on protein structure/function; Has not been previously published as pathogenic or benign to our knowledge